The following is an entry in ClinVar:

ClinVar aggregate classification (germline): Uncertain significance (1 of 4 stars; one submission).

Conditions:
Tuberous sclerosis 2 (TSC2). Identifiers: Orphanet 805, MedGen C1860707, MONDO:0013199, OMIM 613254.

Submission:

Labcorp Genetics (formerly Invitae), Labcorp
Classification: Uncertain significance for Tuberous sclerosis 2. Last evaluated: 2021-11-26. Review status: criteria provided, single submitter. Criteria: Invitae Variant Classification Sherloc (09022015). Collection method: clinical testing. Allele origin: germline.
Comment: In summary, the available evidence is currently insufficient to determine the role of this variant in disease. Therefore, it has been classified as a Variant of Uncertain Significance. This sequence change falls in intron 25 of the TSC2 gene. It does not directly change the encoded amino acid sequence of the TSC2 protein. It affects a nucleotide within the consensus splice site. This variant is not present in population databases (gnomAD no frequency). This variant has not been reported in the literature in individuals affected with TSC2-related conditions. Variants that disrupt the consensus splice site are a relatively common cause of aberrant splicing (PMID: 17576681, 9536098). Algorithms developed to predict the effect of sequence changes on RNA splicing suggest that this variant may disrupt the consensus splice site.

Literature cited by the submitters: PubMed 17576681; PubMed 9536098.

NM_000548.5(TSC2):c.2837+4C>G

Gene: TSC2 (TSC complex subunit 2; plus strand). Cytogenetic location: 16p13.3.
Variant type: single nucleotide variant.
Coding change: c.2837+4C>G on transcript NM_000548.5 (MANE Select); 4 bases into the intron after coding-DNA position 2837, C replaced by G.
Molecular consequence: intron variant.
Genome position (GRCh38, 1-based): chr16:2,076,589, C>G. VCF-style: chr16-2076589-C-G. GRCh37 (hg19) VCF-style: chr16-2126590-C-G.
Other names: c.2837+4C>G (NM_001114382.3, NM_021055.3, NM_001370405.1 and 3 more transcripts); c.2726+4C>G (NM_001318827.2); c.2237+4C>G (NM_001318831.2); c.2690+4C>G (NM_001318829.2); c.2870+4C>G (NM_001318832.2).
Identifiers: ClinVar variation 1505751 (VCV001505751.6), dbSNP rs544409858, ClinGen allele CA2573151597.